The following is an entry in ClinVar:

NM_001007527.2(LMBRD2):c.1439T>G (p.Leu480Arg)

Gene: LMBRD2 (LMBR1 domain containing 2; minus strand). Cytogenetic location: 5p13.2.
Variant type: single nucleotide variant.
Coding change: c.1439T>G on transcript NM_001007527.2 (MANE Select); coding-DNA position 1439, T replaced by G.
Protein change: p.Leu480Arg; replaces leucine 480 with arginine.
Molecular consequence: missense variant.
Genome position (GRCh38, 1-based): chr5:36,115,118, A>C on the plus strand (T>G on the coding strand, the complement: LMBRD2 is on the minus strand). VCF-style: chr5-36115118-A-C. GRCh37 (hg19) VCF-style: chr5-36115220-A-C.
Other names: short protein forms L480R.
Identifiers: ClinVar variation 3770023 (VCV003770023.1).
Genomic context (GRCh38, chr5:36,115,118, plus strand): 5'-GAATCCATATGGGTCAAACCCAAGAAATTAAGACATAAAGGAGGTGTCAAACGGCAAAAT[A>C]GCCTGCAACAAACATTTAAAAATATGTATATAAAAAGTAAAGCAGCAAAATACATTTTAT-3'
Protein context (NP_001007528.1, residues 470-490): DAYSLLFSGM[Leu480Arg]FCRLTPPLCL

ClinVar aggregate classification (germline): Uncertain significance (1 of 4 stars; one submission).

Submission:

GeneDx
Classification: Uncertain significance. Last evaluated: 2024-09-11. Review status: criteria provided, single submitter. Criteria: GeneDx Variant Classification Process June 2021. Collection method: clinical testing. Allele origin: germline. Affected: yes.
Comment: Not observed at significant frequency in large population cohorts (gnomAD); In silico analysis supports that this missense variant has a deleterious effect on protein structure/function; Has not been previously published as pathogenic or benign to our knowledge